The following is an entry in ClinVar:

ClinVar aggregate classification (germline): Benign/Likely benign. Review status: criteria provided, multiple submitters, no conflicts (2 of 4 stars). 6 submissions from 6 submitters: Benign (1); Likely benign (2). 3 of the submissions do not count toward it. Last evaluated 2022-12-01.

Conditions:
MIB1-related disorder. Also called: MIB1-related condition.
Inborn genetic diseases. Identifiers: MedGen C0950123, MeSH D030342.

Allele frequency attached by ClinVar (database versions not stated): gnomAD exomes 0.00019; ExAC 0.00033; 1000 Genomes Project 0.00040; 1000 Genomes Project 30x 0.00047; TOPMed 0.00074; gnomAD 0.00086 and 0.00094; ESP Exome Variant Server 0.00115.
gnomAD v4.1: 229 of 1,607,700 alleles (0.014%); highest among the groups gnomAD compares: African/African-American, 0.29%; no homozygotes.

Submissions (6):

CeGaT Center for Human Genetics Tuebingen
Classification: Benign. Last evaluated: 2022-12-01. Review status: criteria provided, single submitter. Criteria: CeGaT Center For Human Genetics Tuebingen Variant Classification Criteria Version 2. Collection method: clinical testing. Allele origin: germline. Affected: yes. Observed: 1 variant allele.
Comment: MIB1: BP4, BS1, BS2

Ambry Genetics
Classification: Likely benign for Inborn genetic diseases. Last evaluated: 2022-03-04. Review status: criteria provided, single submitter. Criteria: Ambry Variant Classification Scheme 2023. Collection method: clinical testing. Allele origin: germline.

GeneDx
Classification: Likely benign. Last evaluated: 2021-04-26. Review status: criteria provided, single submitter. Criteria: GeneDx Variant Classification Process June 2021. Collection method: clinical testing. Allele origin: germline. Affected: yes.

PreventionGenetics, part of Exact Sciences
Classification: Likely benign for MIB1-related condition. Last evaluated: 2021-06-28. Review status: no assertion criteria provided. Collection method: clinical testing. Allele origin: germline. Not counted in ClinVar's aggregate classification.
Comment: This variant is classified as likely benign based on ACMG/AMP sequence variant interpretation guidelines (Richards et al. 2015 PMID: 25741868, with internal and published modifications).

Clinical Genetics DNA and cytogenetics Diagnostics Lab, Erasmus MC, Erasmus Medical Center
Classification: Likely benign. Review status: no assertion criteria provided. Collection method: clinical testing. Allele origin: germline. Affected: yes. Study: VKGL Data-share Consensus. Not counted in ClinVar's aggregate classification.

Clinical Genetics, Academic Medical Center
Classification: Benign. Review status: no assertion criteria provided. Collection method: clinical testing. Allele origin: germline. Affected: yes. Study: VKGL Data-share Consensus. Not counted in ClinVar's aggregate classification.

NM_020774.4(MIB1):c.603T>G (p.Ala201=)

Gene: MIB1 (MIB E3 ubiquitin protein ligase 1; plus strand). Cytogenetic location: 18q11.2.
Variant type: single nucleotide variant.
Coding change: c.603T>G on transcript NM_020774.4 (MANE Select); coding-DNA position 603, T replaced by G.
Protein change: p.Ala201=; no amino-acid change (alanine 201 retained).
Molecular consequence: synonymous variant.
Genome position (GRCh38, 1-based): chr18:21,773,695, T>G. VCF-style: chr18-21773695-T-G. GRCh37 (hg19) VCF-style: chr18-19353656-T-G.
Identifiers: ClinVar variation 507267 (VCV000507267.33), dbSNP rs35738763, ClinGen allele CA8908050.
Genomic context (GRCh38, chr18:21,773,695, plus strand): 5'-CCAGGACTGGAGTGCATCAAGCCCACATAGCGCAGCATATGTCCTCTGGGATAATGGTGC[T>G]AAGAACCTTTACAGAGTTGGCTTTGAGGGCATGGTAAGTAGTGAAGAGCCATAGCAGGTG-3'
Protein context (NP_065825.1, residues 191-211): SAAYVLWDNG[Ala201=]KNLYRVGFEG